The following is an entry in ClinVar:

NM_003072.5(SMARCA4):c.3775-5C>G

Gene: SMARCA4 (SWI/SNF related BAF chromatin remodeling complex subunit ATPase 4; plus strand). Cytogenetic location: 19p13.2.
Variant type: single nucleotide variant.
Coding change: c.3775-5C>G on transcript NM_003072.5 (MANE Select); 5 bases into the intron before coding-DNA position 3775, C replaced by G.
Molecular consequence: intron variant.
Genome position (GRCh38, 1-based): chr19:11,033,762, C>G. VCF-style: chr19-11033762-C-G. GRCh37 (hg19) VCF-style: chr19-11144438-C-G.
Other names: c.3775-5C>G (NM_001128844.3, NM_001128849.3, NM_001387283.1); c.3774+245C>G (NM_001128847.4, NM_001411150.1, NM_001374457.1 and 3 more transcripts).
Identifiers: ClinVar variation 3233112 (VCV003233112.1), dbSNP rs2146664115, ClinGen allele CA2582464835.

ClinVar aggregate classification (germline): Uncertain significance (1 of 4 stars; one submission).

Conditions:
Hereditary cancer-predisposing syndrome. Also called: Neoplastic Syndromes, Hereditary; Tumor predisposition; Hereditary neoplastic syndrome; Hereditary Cancer Syndrome. Identifiers: Orphanet 140162, MedGen C0027672, MeSH D009386, MONDO:0015356.

Submission:

Ambry Genetics
Classification: Uncertain significance for Hereditary cancer-predisposing syndrome. Last evaluated: 2024-01-03. Review status: criteria provided, single submitter. Criteria: Ambry Variant Classification Scheme 2023. Collection method: clinical testing. Allele origin: germline.
Comment: The c.3775-5C>G intronic variant results from a C to G substitution 5 nucleotides before coding exon 26 in the SMARCA4 gene. This nucleotide position is highly conserved in available vertebrate species. In silico splice site analysis predicts that this alteration may result in the creation or strengthening of a novel splice acceptor site. Since supporting evidence is limited at this time, the clinical significance of this alteration remains unclear.